The following is an entry in ClinVar:

ClinVar aggregate classification (germline): Likely benign (0 of 4 stars; one submission).

Conditions:
ATP2C2-related disorder. Also called: ATP2C2-related condition.

Allele frequency attached by ClinVar (database versions not stated): ExAC 0.00028; TOPMed 0.00037; gnomAD 0.00046; ESP Exome Variant Server 0.00057; gnomAD exomes 0.00060.
gnomAD v4.1: 954 of 1,613,960 alleles (0.059%); highest among the groups gnomAD compares: Non-Finnish European, 0.075%; 1 homozygote.

Submission:

PreventionGenetics, part of Exact Sciences
Classification: Likely benign for ATP2C2-related condition. Last evaluated: 2019-03-01. Review status: no assertion criteria provided. Collection method: clinical testing. Allele origin: germline.
Comment: This variant is classified as likely benign based on ACMG/AMP sequence variant interpretation guidelines (Richards et al. 2015 PMID: 25741868, with internal and published modifications).

NM_014861.4(ATP2C2):c.669C>T (p.Ala223=)

Gene: ATP2C2 (ATPase secretory pathway Ca2+ transporting 2; plus strand). Cytogenetic location: 16q24.1.
Variant type: single nucleotide variant.
Coding change: c.669C>T on transcript NM_014861.4 (MANE Select); coding-DNA position 669, C replaced by T.
Protein change: p.Ala223=; no amino-acid change (alanine 223 retained).
Molecular consequence: synonymous variant.
Genome position (GRCh38, 1-based): chr16:84,422,434, C>T. VCF-style: chr16-84422434-C-T. GRCh37 (hg19) VCF-style: chr16-84456040-C-T.
Other names: c.669C>T, p.Ala223= (NM_001286527.3); c.216C>T, p.Ala72= (NM_001291454.2).
Identifiers: ClinVar variation 3050354 (VCV003050354.2), dbSNP rs372288677, ClinGen allele CA8206867.